The following is an entry in ClinVar:

NM_006269.2(RP1):c.5374G>T (p.Ala1792Ser)

Genes: RP1 (RP1 axonemal microtubule associated; plus strand), LOC126860392 (CDK7 strongly-dependent group 2 enhancer GRCh37_chr8:55541319-55542518; plus strand). Cytogenetic location: 8q12.1.
Variant type: single nucleotide variant.
Coding change: c.5374G>T on transcript NM_006269.2 (MANE Select); coding-DNA position 5374, G replaced by T.
Protein change: p.Ala1792Ser; replaces alanine 1792 with serine.
Molecular consequence: missense variant. On other transcripts: intron variant (1).
Genome position (GRCh38, 1-based): chr8:54,629,256, G>T. VCF-style: chr8-54629256-G-T. GRCh37 (hg19) VCF-style: chr8-55541816-G-T.
Other names: c.787+6968G>T (NM_001375654.1); short protein forms A1792S.
Identifiers: ClinVar variation 3002845 (VCV003002845.3), dbSNP rs1426063067, ClinGen allele CA370985995.

ClinVar aggregate classification (germline): Uncertain significance (1 of 4 stars; one submission).

gnomAD v4.1: 2 of 1,613,740 alleles (0.00012%); highest among the groups gnomAD compares: South Asian, 0.0011%; no homozygotes.

Submission:

Labcorp Genetics (formerly Invitae), Labcorp
Classification: Uncertain significance. Last evaluated: 2023-02-09. Review status: criteria provided, single submitter. Criteria: Invitae Variant Classification Sherloc (09022015). Collection method: clinical testing. Allele origin: germline.
Comment: In summary, the available evidence is currently insufficient to determine the role of this variant in disease. Therefore, it has been classified as a Variant of Uncertain Significance. Algorithms developed to predict the effect of missense changes on protein structure and function (SIFT, PolyPhen-2, Align-GVGD) all suggest that this variant is likely to be tolerated. This variant has not been reported in the literature in individuals affected with RP1-related conditions. This variant is not present in population databases (gnomAD no frequency). This sequence change replaces alanine, which is neutral and non-polar, with serine, which is neutral and polar, at codon 1792 of the RP1 protein (p.Ala1792Ser).